The following is an entry in ClinVar:

NM_007294.4(BRCA1):c.-4A>C

Gene: BRCA1 (BRCA1 DNA repair associated; minus strand). Cytogenetic location: 17q21.31.
Variant type: single nucleotide variant.
Coding change: c.-4A>C on transcript NM_007294.4 (MANE Select); 4 bases upstream of the start codon, A replaced by C.
Molecular consequence: 5 prime UTR variant. On other transcripts: non-coding transcript variant (1).
Genome position (GRCh38, 1-based): chr17:43,124,100, T>G on the plus strand (A>C on the coding strand, the complement: BRCA1 is on the minus strand). VCF-style: chr17-43124100-T-G. GRCh37 (hg19) VCF-style: chr17-41276117-T-G.
Other names: c.-192A>C (NM_001407571.1, NM_001407853.1, NM_001407879.1 and 46 more transcripts); c.-4A>C (NM_001407581.1, NM_001407582.1, NM_001407583.1 and 193 more transcripts); c.-261A>C (NM_001407694.1, NM_001407724.1, NM_001407727.1 and 11 more transcripts); c.-265A>C (NM_001407695.1, NM_001408465.1); c.-406A>C (NM_001407696.1); c.-290A>C (NM_001407697.1, NM_001407846.1, NM_001407920.1); c.-91A>C (NM_001407698.1, NM_001407732.1, NM_001407736.1 and 23 more transcripts); c.-264A>C (NM_001407725.1, NM_001407730.1, NM_001407734.1 and 22 more transcripts); and 8 more.
Identifiers: ClinVar variation 869048 (VCV000869048.3), dbSNP rs1567823527, ClinGen allele CA916081140.

Conditions:
Breast-ovarian cancer, familial, susceptibility to, 1 (BROVCA1). Also called: BRCA1 Hereditary Breast and Ovarian Cancer; OVARIAN CANCER, SUSCEPTIBILITY TO. Identifiers: Orphanet 145, MedGen C2676676, MONDO:0011450, OMIM 604370. Disease mechanism: loss of function.

Submission:

Brotman Baty Institute, University of Washington
No classification provided (evidence only). Condition: Breast-ovarian cancer, familial 1. Review status: no classification provided. Collection method: in vitro. Allele origin: not applicable. Functional consequence: functionally_normal.
ClinVar note: "not provided" was previously submitted as the classification for the variant. However, the classification appeared to be based only on an observation of functional data so it was converted to no classification on 2025-07-30.